The following is an entry in ClinVar:

ClinVar aggregate classification (germline): Benign/Likely benign. Review status: criteria provided, multiple submitters, no conflicts (2 of 4 stars). 10 submissions from 10 submitters: Benign (8); Likely benign (1). 1 of the submissions does not count toward it. Last evaluated 2026-02-02.

Conditions:
Cardiovascular phenotype. Identifiers: MedGen CN230736.
CACNA1C-related disorder. Also called: CACNA1C-related condition; CACNA1C-related disorders. Identifiers: MedGen CN381092, MONDO:0700321.
Long QT syndrome (LQTS). Identifiers: MedGen C0023976, MeSH D008133, MONDO:0002442. Disease mechanism: loss of function. Inheritance: Various modes of inheritance.

Allele frequency attached by ClinVar (database versions not stated): ExAC 0.00235; 1000 Genomes Project 0.00319; gnomAD 0.00480 and 0.00525; 1000 Genomes Project 30x 0.00344; ESP Exome Variant Server 0.00569; gnomAD exomes 0.00072 and 0.00166; TOPMed 0.00556.
gnomAD v4.1: 1,814 of 1,612,720 alleles (0.11%); highest among the groups gnomAD compares: African/African-American, 1.7%; 17 homozygotes.

Submissions (10):

Labcorp Genetics (formerly Invitae), Labcorp
Classification: Benign for Long QT syndrome. Last evaluated: 2026-02-02. Review status: criteria provided, single submitter. Criteria: Invitae Variant Classification Sherloc (09022015). Collection method: clinical testing. Allele origin: germline.

Mayo Clinic Laboratories, Mayo Clinic
Classification: Benign. Last evaluated: 2025-06-17. Review status: criteria provided, single submitter. Criteria: ACMG Guidelines, 2015. Collection method: clinical testing. Allele origin: germline. Observed: 3 variant alleles.
Comment: BS1, BS2, BP4, BP7

Molecular Diagnostic Laboratory for Inherited Cardiovascular Disease, Montreal Heart Institute
Classification: Benign. Last evaluated: 2025-04-09. Review status: criteria provided, single submitter. Criteria: ACMG Guidelines, 2015. Collection method: clinical testing. Allele origin: germline. Affected: no.

ARUP Laboratories, Molecular Genetics and Genomics, ARUP Laboratories
Classification: Benign. Last evaluated: 2025-04-08. Review status: criteria provided, single submitter. Criteria: ARUP Molecular Germline Variant Investigation Process 2024. Collection method: clinical testing. Allele origin: germline.

Blueprint Genetics
Classification: Likely benign. Last evaluated: 2024-10-09. Review status: criteria provided, single submitter. Criteria: ACMG Guidelines, 2015. Collection method: clinical testing. Allele origin: germline.

Ambry Genetics
Classification: Benign for Cardiovascular phenotype. Last evaluated: 2016-06-14. Review status: criteria provided, single submitter. Criteria: Ambry Variant Classification Scheme 2023. Collection method: clinical testing. Allele origin: germline.

Eurofins Ntd Llc (ga)
Classification: Benign. Last evaluated: 2015-11-09. Review status: criteria provided, single submitter. Criteria: EGL Classification Definitions 2015. Collection method: clinical testing. Allele origin: germline. Observed: 1 variant allele, 1 heterozygote.

GeneDx
Classification: Benign. Last evaluated: 2015-03-03. Review status: criteria provided, single submitter. Criteria: GeneDx Variant Classification Process June 2021. Collection method: clinical testing. Allele origin: germline. Affected: yes.

Breakthrough Genomics
Classification: Benign. Review status: criteria provided, single submitter. Criteria: ACMG Guidelines, 2015. Collection method: not provided. Allele origin: germline. Inheritance: Autosomal dominant inheritance. Affected: yes.

PreventionGenetics, part of Exact Sciences
Classification: Benign for CACNA1C-related condition. Last evaluated: 2020-01-13. Review status: no assertion criteria provided. Collection method: clinical testing. Allele origin: germline. Not counted in ClinVar's aggregate classification.
Comment: This variant is classified as benign based on ACMG/AMP sequence variant interpretation guidelines (Richards et al. 2015 PMID: 25741868, with internal and published modifications).

NM_000719.7(CACNA1C):c.3387G>A (p.Thr1129=)

Gene: CACNA1C (calcium voltage-gated channel subunit alpha1 C; plus strand). Cytogenetic location: 12p13.33.
Variant type: single nucleotide variant.
Coding change: c.3387G>A on transcript NM_000719.7 (MANE Select); coding-DNA position 3387, G replaced by A.
Protein change: p.Thr1129=; no amino-acid change (threonine 1129 retained).
Molecular consequence: synonymous variant.
Genome position (GRCh38, 1-based): chr12:2,608,541, G>A. VCF-style: chr12-2608541-G-A. GRCh37 (hg19) VCF-style: chr12-2717707-G-A.
Other names: p.Thr1129=; c.3447G>A, p.Thr1149= (NM_001129827.2, NM_001129832.2, NM_199460.4); c.3387G>A, p.Thr1129= (NM_001129829.2, NM_001129830.3, NM_001129831.2 and 15 more transcripts); c.3378G>A, p.Thr1126= (NM_001129844.2).
Identifiers: ClinVar variation 78960 (VCV000078960.37), dbSNP rs188224114, ClinGen allele CA339751.
Genomic context (GRCh38, chr12:2,608,541, plus strand): 5'-TCCCTCTGTGGGACCTGTCTCCTCCTGCAGGCTGCTGTACCGCTCCATCGACTCCCACAC[G>A]GAAGACAAGGGCCCCATCTACAACTACCGTGTGGAGATCTCCATCTTCTTCATCATCTAC-3'
Protein context (NP_000710.5, residues 1119-1139): ELLYRSIDSH[Thr1129=]EDKGPIYNYR